The following is an entry in ClinVar:

NM_015662.3(IFT172):c.3052C>T (p.Arg1018Cys)

Gene: IFT172 (intraflagellar transport 172; minus strand). Cytogenetic location: 2p23.3.
Variant type: single nucleotide variant.
Coding change: c.3052C>T on transcript NM_015662.3 (MANE Select); coding-DNA position 3052, C replaced by T.
Protein change: p.Arg1018Cys; replaces arginine 1018 with cysteine.
Molecular consequence: missense variant.
Genome position (GRCh38, 1-based): chr2:27,457,900, G>A on the plus strand (C>T on the coding strand, the complement: IFT172 is on the minus strand). VCF-style: chr2-27457900-G-A. GRCh37 (hg19) VCF-style: chr2-27680767-G-A.
Other names: c.3052C>T (NM_015662.2); short protein forms R1018C.
Identifiers: ClinVar variation 1482230 (VCV001482230.7), dbSNP rs1358114348, ClinGen allele CA346380581.

ClinVar aggregate classification (germline): Uncertain significance. Review status: criteria provided, multiple submitters, no conflicts (2 of 4 stars). 3 submissions from 3 submitters: Uncertain significance (3). Last evaluated 2026-08-25.

Conditions:
Retinitis pigmentosa 71 (RP71). Identifiers: Orphanet 791, MedGen C4225342, MONDO:0014618, OMIM 616394.
Short-rib thoracic dysplasia 10 with or without polydactyly (SRTD10). Identifiers: Orphanet 474, MedGen C3810175, MONDO:0014284, OMIM 615630.
Bardet-Biedl syndrome 20. Identifiers: MedGen C4310707, MONDO:0023670, OMIM 619471, MONDO:0014926.
IFT172-related disorder. Also called: IFT172-related condition; IFT172-related disorders.

Allele frequency attached by ClinVar (database versions not stated): gnomAD exomes below 0.00001 and 0.00001; gnomAD 0.00001; TOPMed 0.00003.

Submissions (3):

PreventionGenetics, part of Exact Sciences
Classification: Uncertain significance for IFT172-related condition. Last evaluated: 2026-08-25. Review status: criteria provided, single submitter. Criteria: ACMG Guidelines, 2015. Collection method: clinical testing. Allele origin: germline.
Comment: The IFT172 c.3052C>T variant is predicted to result in the amino acid substitution p.Arg1018Cys. This variant was reported in an individual with Congenital heart disease (Li et al. 2023. PubMed ID: 37980516). This variant is reported in 0.00088% of alleles in individuals of European (Non-Finnish) descent in gnomAD. At this time, the clinical significance of this variant is uncertain due to the absence of conclusive functional and genetic evidence.

Fulgent Genetics
Classification: Uncertain significance for Short-rib thoracic dysplasia 10 with or without polydactyly; Retinitis pigmentosa 71; Bardet-Biedl syndrome 20. Last evaluated: 2024-02-09. Review status: criteria provided, single submitter. Criteria: ACMG Guidelines, 2015. Collection method: clinical testing. Allele origin: germline.

Labcorp Genetics (formerly Invitae), Labcorp
Classification: Uncertain significance for Retinitis pigmentosa 71; Short-rib thoracic dysplasia 10 with or without polydactyly. Last evaluated: 2022-06-18. Review status: criteria provided, single submitter. Criteria: Invitae Variant Classification Sherloc (09022015). Collection method: clinical testing. Allele origin: germline.
Comment: This sequence change replaces arginine, which is basic and polar, with cysteine, which is neutral and slightly polar, at codon 1018 of the IFT172 protein (p.Arg1018Cys). This variant is present in population databases (no rsID available, gnomAD 0.0009%). This variant has not been reported in the literature in individuals affected with IFT172-related conditions. Algorithms developed to predict the effect of missense changes on protein structure and function are either unavailable or do not agree on the potential impact of this missense change (SIFT: "Deleterious"; PolyPhen-2: "Benign"; Align-GVGD: "Class C0"). In summary, the available evidence is currently insufficient to determine the role of this variant in disease. Therefore, it has been classified as a Variant of Uncertain Significance.